The following is an entry in ClinVar:

ClinVar aggregate classification (germline): Likely pathogenic (1 of 4 stars; one submission).

Submission:

Labcorp Genetics (formerly Invitae), Labcorp
Classification: Likely pathogenic. Last evaluated: 2021-05-03. Review status: criteria provided, single submitter. Criteria: Invitae Variant Classification Sherloc (09022015). Collection method: clinical testing. Allele origin: germline.
Comment: In summary, the currently available evidence indicates that the variant is pathogenic, but additional data are needed to prove that conclusively. Therefore, this variant has been classified as Likely Pathogenic. Algorithms developed to predict the effect of sequence changes on RNA splicing suggest that this variant may disrupt the consensus splice site, but this prediction has not been confirmed by published transcriptional studies. This variant has not been reported in the literature in individuals with LAMB3-related conditions. This variant is not present in population databases (ExAC no frequency). This sequence change affects a donor splice site in intron 9 of the LAMB3 gene. It is expected to disrupt RNA splicing. Variants that disrupt the donor or acceptor splice site typically lead to a loss of protein function (PMID: 16199547), and loss-of-function variants in LAMB3 are known to be pathogenic (PMID: 11023379, 16473856).

Literature cited by the submitters: PubMed 16199547; PubMed 11023379; PubMed 16473856.

NM_000228.3(LAMB3):c.943+2T>G

Gene: LAMB3 (laminin subunit beta 3; minus strand). Cytogenetic location: 1q32.2.
Variant type: single nucleotide variant.
Coding change: c.943+2T>G on transcript NM_000228.3 (MANE Select); the canonical splice donor site of the intron after coding-DNA position 943, T replaced by G.
Molecular consequence: splice donor variant.
Genome position (GRCh38, 1-based): chr1:209,630,613, A>C on the plus strand (T>G on the coding strand, the complement: LAMB3 is on the minus strand). VCF-style: chr1-209630613-A-C. GRCh37 (hg19) VCF-style: chr1-209803958-A-C.
Other names: c.943+2T>G (NM_001127641.1, NM_001017402.2).
Identifiers: ClinVar variation 1512376 (VCV001512376.8), dbSNP rs1464038626, ClinGen allele CA344593185.